The following is an entry in ClinVar:

NM_032043.3(BRIP1):c.972A>G (p.Thr324=)

Gene: BRIP1 (BRCA1 interacting DNA helicase 1; minus strand). Cytogenetic location: 17q23.2.
Variant type: single nucleotide variant.
Coding change: c.972A>G on transcript NM_032043.3 (MANE Select); coding-DNA position 972, A replaced by G.
Protein change: p.Thr324=; no amino-acid change (threonine 324 retained).
Molecular consequence: synonymous variant.
Genome position (GRCh38, 1-based): chr17:61,801,421, T>C on the plus strand (A>G on the coding strand, the complement: BRIP1 is on the minus strand). VCF-style: chr17-61801421-T-C. GRCh37 (hg19) VCF-style: chr17-59878782-T-C.
Identifiers: ClinVar variation 232586 (VCV000232586.15), dbSNP rs779627397, ClinGen allele CA10580850.

ClinVar aggregate classification (germline): Benign/Likely benign. Review status: criteria provided, multiple submitters, no conflicts (2 of 4 stars). 3 submissions from 3 submitters: Benign (1); Likely benign (2). Last evaluated 2025-12-08.

Conditions:
Hereditary cancer-predisposing syndrome. Also called: Hereditary Cancer Syndrome; Neoplastic Syndromes, Hereditary; Tumor predisposition; Hereditary neoplastic syndrome. Identifiers: Orphanet 140162, MedGen C0027672, MeSH D009386, MONDO:0015356.
Fanconi anemia complementation group J. Also called: BRIP1-Related Fanconi Anemia. Identifiers: Orphanet 84, MedGen C1836860, MONDO:0012187, OMIM 609054.
Familial cancer of breast. Also called: Hereditary breast cancer; hereditary breast carcinoma; BREAST CANCER, FAMILIAL. Identifiers: Orphanet 227535, MedGen C0346153, MONDO:0016419, OMIM 114480. Disease mechanism: loss of function.

gnomAD v4.1: 1 of 1,613,998 alleles (0.000062%); highest among the groups gnomAD compares: African/African-American, 0.0013%; no homozygotes.

Submissions (3):

Labcorp Genetics (formerly Invitae), Labcorp
Classification: Likely benign for Familial cancer of breast; Fanconi anemia complementation group J. Last evaluated: 2025-12-08. Review status: criteria provided, single submitter. Criteria: Invitae Variant Classification Sherloc (09022015). Collection method: clinical testing. Allele origin: germline.

Myriad Genetics, Inc.
Classification: Benign for Familial cancer of breast. Last evaluated: 2024-08-22. Review status: criteria provided, single submitter. Criteria: Myriad Autosomal Dominant, Autosomal Recessive and X-Linked Classification Criteria (2023). Collection method: clinical testing. Allele origin: unknown.
Comment: This variant is considered benign. This variant is a silent/synonymous amino acid change and it is not expected to impact splicing.

Ambry Genetics
Classification: Likely benign for Hereditary cancer-predisposing syndrome. Last evaluated: 2015-06-23. Review status: criteria provided, single submitter. Criteria: Ambry Variant Classification Scheme 2023. Collection method: clinical testing. Allele origin: germline.